The following is an entry in ClinVar:

ClinVar aggregate classification (germline): Uncertain significance. Review status: criteria provided, multiple submitters, no conflicts (2 of 4 stars). 3 submissions from 3 submitters: Uncertain significance (3). Last evaluated 2025-02-05.

Conditions:
Mosaic variegated aneuploidy syndrome 1 (MVA1). Also called: Warburton-Anyane-Yeboa syndrome. Identifiers: Orphanet 1052, MedGen C1850343, MONDO:0009759, OMIM 257300.
Inborn genetic diseases. Identifiers: MedGen C0950123, MeSH D030342.

Allele frequency attached by ClinVar (database versions not stated): gnomAD exomes below 0.00001 and 0.00001; ExAC 0.00002.

Submissions (3):

St. Jude Molecular Pathology, St. Jude Children's Research Hospital
Classification: Uncertain significance for Mosaic variegated aneuploidy syndrome 1. Last evaluated: 2025-02-05. Review status: criteria provided, single submitter. Criteria: St. Jude Assertion Criteria 2020. Collection method: clinical testing. Allele origin: germline.
Comment: The BUB1B c.2097A>C (p.Lys699Asn) missense change has a maximum subpopulation frequency of 0.0018% in gnomAD v2.1.1. The in silico tool REVEL predicts a benign effect on protein function, but to our knowledge this prediction has not been confirmed by functional studies. To our knowledge, this variant has not been reported in individuals with mosaic variegated aneuploidy syndrome. In summary, the evidence currently available is insufficient to determine the role of this variant in mosaic variegated aneuploidy syndrome. It has therefore been classified as of uncertain significance.

Ambry Genetics
Classification: Uncertain significance for Inborn genetic diseases. Last evaluated: 2022-03-07. Review status: criteria provided, single submitter. Criteria: Ambry Variant Classification Scheme 2023. Collection method: clinical testing. Allele origin: germline.
Comment: The p.K699N variant (also known as c.2097A>C), located in coding exon 16 of the BUB1B gene, results from an A to C substitution at nucleotide position 2097. The lysine at codon 699 is replaced by asparagine, an amino acid with similar properties. This amino acid position is conserved. In addition, this alteration is predicted to be tolerated by in silico analysis. Since supporting evidence is limited at this time, the clinical significance of this alteration remains unclear.

Labcorp Genetics (formerly Invitae), Labcorp
Classification: Uncertain significance for Mosaic variegated aneuploidy syndrome 1. Last evaluated: 2020-03-05. Review status: criteria provided, single submitter. Criteria: Invitae Variant Classification Sherloc (09022015). Collection method: clinical testing. Allele origin: germline.
Comment: This variant is present in population databases (rs752678855, ExAC 0.003%). In summary, the available evidence is currently insufficient to determine the role of this variant in disease. Therefore, it has been classified as a Variant of Uncertain Significance. Algorithms developed to predict the effect of missense changes on protein structure and function are either unavailable or do not agree on the potential impact of this missense change (SIFT: "Tolerated"; PolyPhen-2: "Possibly Damaging"; Align-GVGD: "Class C0"). This variant has not been reported in the literature in individuals with BUB1B-related conditions. This sequence change replaces lysine with asparagine at codon 699 of the BUB1B protein (p.Lys699Asn). The lysine residue is moderately conserved and there is a moderate physicochemical difference between lysine and asparagine.

NM_001211.6(BUB1B):c.2097A>C (p.Lys699Asn)

Gene: BUB1B (BUB1 mitotic checkpoint serine/threonine kinase B; plus strand). Cytogenetic location: 15q15.1.
Variant type: single nucleotide variant.
Coding change: c.2097A>C on transcript NM_001211.6 (MANE Select); coding-DNA position 2097, A replaced by C.
Protein change: p.Lys699Asn; replaces lysine 699 with asparagine.
Molecular consequence: missense variant.
Genome position (GRCh38, 1-based): chr15:40,208,724, A>C. VCF-style: chr15-40208724-A-C. GRCh37 (hg19) VCF-style: chr15-40500925-A-C.
Other names: short protein forms K699N.
Identifiers: ClinVar variation 1059655 (VCV001059655.12), dbSNP rs752678855, ClinGen allele CA7475949.